The following is an entry in ClinVar:

NM_001267550.2(TTN):c.43985A>C (p.Asp14662Ala)

Gene: TTN (titin; minus strand). Cytogenetic location: 2q31.2.
Variant type: single nucleotide variant.
Coding change: c.43985A>C on transcript NM_001267550.2 (MANE Select); coding-DNA position 43985, A replaced by C.
Protein change: p.Asp14662Ala; replaces aspartic acid 14662 with alanine.
Molecular consequence: missense variant.
Genome position (GRCh38, 1-based): chr2:178,631,063, T>G on the plus strand (A>C on the coding strand, the complement: TTN is on the minus strand). VCF-style: chr2-178631063-T-G. GRCh37 (hg19) VCF-style: chr2-179495790-T-G.
Other names: c.39062A>C, p.Asp13021Ala (NM_001256850.1); c.16790A>C, p.Asp5597Ala (NM_003319.4); c.36281A>C, p.Asp12094Ala (NM_133378.4); c.17165A>C, p.Asp5722Ala (NM_133432.3); c.17366A>C, p.Asp5789Ala (NM_133437.4); short protein forms D12094A, D5722A, D13021A, D5789A, D14662A, D5597A.
Identifiers: ClinVar variation 4977368 (VCV004977368.1).
Genomic context (GRCh38, chr2:178,631,063, plus strand): 5'-TCAAGAGTGAAACTCATGGAAATTTCCTTACCCTCAATGTCAAGTTTTCCTGAGGTCTTA[T>G]CTGTCCCACAGTCACAGGTGTACTGTCCAATATCTGATTTCAAGGCTTTCTTTAGGATTA-3'
Protein context (NP_001254479.2, residues 14652-14672): IGQYTCDCGT[Asp14662Ala]KTSGKLDIED

ClinVar aggregate classification (germline): Uncertain significance (1 of 4 stars; one submission).

Conditions:
TTN-related disorder. Also called: TTN-related condition; TTN-related disease; TTN-related disorders.

gnomAD v4.1: 14 of 1,613,178 alleles (0.00087%); highest among the groups gnomAD compares: Non-Finnish European, 0.0011%; no homozygotes.

Submission:

PreventionGenetics, part of Exact Sciences
Classification: Uncertain significance for TTN-related condition. Last evaluated: 2026-05-19. Review status: criteria provided, single submitter. Criteria: ACMG Guidelines, 2015. Collection method: clinical testing. Allele origin: germline.
Comment: The TTN c.43985A>C variant is predicted to result in the amino acid substitution p.Asp14662Ala. To our knowledge, this variant has not been reported in the literature. This variant is reported in 1 allele out of 31384 alleles in gnomAD. At this time, the clinical significance of this variant is uncertain due to the absence of conclusive functional and genetic evidence.